The following is an entry in ClinVar:

ClinVar aggregate classification (germline): Uncertain significance (1 of 4 stars; one submission).

Submission:

Labcorp Genetics (formerly Invitae), Labcorp
Classification: Uncertain significance. Last evaluated: 2022-11-08. Review status: criteria provided, single submitter. Criteria: Invitae Variant Classification Sherloc (09022015). Collection method: clinical testing. Allele origin: germline.
Comment: In summary, the available evidence is currently insufficient to determine the role of this variant in disease. Therefore, it has been classified as a Variant of Uncertain Significance. Algorithms developed to predict the effect of sequence changes on RNA splicing suggest that this variant is not likely to affect RNA splicing. ClinVar contains an entry for this variant (Variation ID: 1350426). This variant has not been reported in the literature in individuals affected with CEP250-related conditions. This variant is not present in population databases (gnomAD no frequency). This sequence change affects codon 284 of the CEP250 mRNA. It is a 'silent' change, meaning that it does not change the encoded amino acid sequence of the CEP250 protein. It affects a nucleotide within the consensus splice site.

NM_007186.6(CEP250):c.852G>T (p.Arg284=)

Gene: CEP250 (centrosomal protein 250; plus strand). Cytogenetic location: 20q11.22.
Variant type: single nucleotide variant.
Coding change: c.852G>T on transcript NM_007186.6 (MANE Select); coding-DNA position 852, G replaced by T.
Protein change: p.Arg284=; no amino-acid change (arginine 284 retained).
Molecular consequence: synonymous variant. On other transcripts: 5 prime UTR variant (1).
Genome position (GRCh38, 1-based): chr20:35,469,890, G>T. VCF-style: chr20-35469890-G-T. GRCh37 (hg19) VCF-style: chr20-34057715-G-T.
Other names: c.-1048G>T (NM_001318219.1).
Identifiers: ClinVar variation 1350426 (VCV001350426.6), dbSNP rs748553150, ClinGen allele CA510316043.